The following is an entry in ClinVar:

NM_032383.5(HPS3):c.2668G>A (p.Gly890Ser)

Genes: CP (ceruloplasmin; minus strand), HPS3 (HPS3 biogenesis of lysosomal organelles complex 2 subunit 1; plus strand). Cytogenetic location: 3q24.
Variant type: single nucleotide variant.
Coding change: c.2668G>A on transcript NM_032383.5 (MANE Select); coding-DNA position 2668, G replaced by A.
Protein change: p.Gly890Ser; replaces glycine 890 with serine.
Molecular consequence: missense variant.
Genome position (GRCh38, 1-based): chr3:149,167,112, G>A. VCF-style: chr3-149167112-G-A. GRCh37 (hg19) VCF-style: chr3-148884899-G-A.
Other names: c.2173G>A, p.Gly725Ser (NM_001308258.2); short protein forms G725S, G890S.
Identifiers: ClinVar variation 4688837 (VCV004688837.1).

ClinVar aggregate classification (germline): Uncertain significance (1 of 4 stars; one submission).

gnomAD v4.1: 32 of 1,613,634 alleles (0.002%); highest among the groups gnomAD compares: Middle Eastern, 0.016%; no homozygotes.

Submission:

Women's Health and Genetics/Laboratory Corporation of America, LabCorp
Classification: Uncertain significance. Last evaluated: 2025-12-24. Review status: criteria provided, single submitter. Criteria: LabCorp Variant Classification Summary - May 2015. Collection method: clinical testing. Allele origin: germline.
Comment: Variant summary: HPS3 c.2668G>A (p.Gly890Ser) results in a non-conservative amino acid change in the encoded protein sequence. Algorithms developed to predict the effect of missense changes on protein structure and function are either unavailable or do not agree on the potential impact of this missense change. The variant allele was found at a frequency of 1.6e-05 in 250640 control chromosomes. The available data on variant occurrences in the general population are insufficient to allow any conclusion about variant significance. To our knowledge, no occurrence of c.2668G>A in individuals affected with HPS3-related conditions and no experimental evidence demonstrating its impact on protein function have been reported. No submitters have cited clinical-significance assessments for this variant to ClinVar. Based on the evidence outlined above, the variant was classified as uncertain significance.